The following is an entry in ClinVar:

NM_144991.3(TSPEAR):c.98A>C (p.Asp33Ala)

Gene: TSPEAR (thrombospondin type laminin G domain and EAR repeats; minus strand). Cytogenetic location: 21q22.3.
Variant type: single nucleotide variant.
Coding change: c.98A>C on transcript NM_144991.3 (MANE Select); coding-DNA position 98, A replaced by C.
Protein change: p.Asp33Ala; replaces aspartic acid 33 with alanine.
Molecular consequence: missense variant. On other transcripts: 5 prime UTR variant (1).
Genome position (GRCh38, 1-based): chr21:44,567,990, T>G on the plus strand (A>C on the coding strand, the complement: TSPEAR is on the minus strand). VCF-style: chr21-44567990-T-G. GRCh37 (hg19) VCF-style: chr21-45987874-T-G.
Other names: c.-107A>C (NM_001272037.2); short protein forms D33A.
Identifiers: ClinVar variation 2986019 (VCV002986019.3), dbSNP rs371170087, ClinGen allele CA10058091.

ClinVar aggregate classification (germline): Pathogenic (1 of 4 stars; one submission).

Allele frequency attached by ClinVar (database versions not stated): ExAC 0.00001; gnomAD 0.00001; TOPMed 0.00002; gnomAD exomes 0.00003; ESP Exome Variant Server 0.00008.
gnomAD v4.1: 49 of 1,542,564 alleles (0.0032%); highest among the groups gnomAD compares: Non-Finnish European, 0.0041%; no homozygotes.

Submission:

Labcorp Genetics (formerly Invitae), Labcorp
Classification: Pathogenic. Last evaluated: 2024-07-29. Review status: criteria provided, single submitter. Criteria: Invitae Variant Classification Sherloc (09022015). Collection method: clinical testing. Allele origin: germline.
Comment: This sequence change replaces aspartic acid, which is acidic and polar, with alanine, which is neutral and non-polar, at codon 33 of the TSPEAR protein (p.Asp33Ala). This variant is present in population databases (rs371170087, gnomAD 0.001%). This missense change has been observed in individual(s) with ectodermal dysplasia (Invitae). In at least one individual the data is consistent with being in trans (on the opposite chromosome) from a pathogenic variant. It has also been observed to segregate with disease in related individuals. Advanced modeling of protein sequence and biophysical properties (such as structural, functional, and spatial information, amino acid conservation, physicochemical variation, residue mobility, and thermodynamic stability) has been performed at Invitae for this missense variant, however the output from this modeling did not meet the statistical confidence thresholds required to predict the impact of this variant on TSPEAR protein function. For these reasons, this variant has been classified as Pathogenic.